The following is an entry in ClinVar:

ClinVar aggregate classification (germline): Conflicting classifications of pathogenicity. Review status: criteria provided, conflicting classifications (1 of 4 stars). 3 submissions from 3 submitters: Uncertain significance (1); Likely benign (2). Last evaluated 2022-01-15.

Conditions:
POLD1-related polyposis and colorectal cancer syndrome (CRCS10). Also called: Colorectal cancer 10; COLORECTAL CANCER, SUSCEPTIBILITY TO, ON CHROMOSOME 19q; Colorectal cancer, susceptibility to, 10. Identifiers: Orphanet 220460, MedGen C2675481, MONDO:0012953, OMIM 612591.
Hereditary cancer-predisposing syndrome. Also called: Hereditary Cancer Syndrome; Hereditary neoplastic syndrome; Neoplastic Syndromes, Hereditary; Tumor predisposition. Identifiers: Orphanet 140162, MedGen C0027672, MeSH D009386, MONDO:0015356.

Allele frequency attached by ClinVar (database versions not stated): gnomAD 0.00001.
gnomAD v4.1: 1 of 1,613,540 alleles (0.000062%); highest among the groups gnomAD compares: Non-Finnish European, 0.000085%; no homozygotes.

Submissions (3):

Labcorp Genetics (formerly Invitae), Labcorp
Classification: Uncertain significance for POLD1-related polyposis and colorectal cancer syndrome. Last evaluated: 2022-01-15. Review status: criteria provided, single submitter. Criteria: Invitae Variant Classification Sherloc (09022015). Collection method: clinical testing. Allele origin: germline.
Comment: This variant is not present in population databases (gnomAD no frequency). This variant has not been reported in the literature in individuals affected with POLD1-related conditions. Algorithms developed to predict the effect of sequence changes on RNA splicing suggest that this variant may create or strengthen a splice site. In summary, the available evidence is currently insufficient to determine the role of this variant in disease. Therefore, it has been classified as a Variant of Uncertain Significance. This sequence change replaces leucine, which is neutral and non-polar, with leucine, which is neutral and non-polar, at codon 188 of the POLD1 protein (Silent).

Ambry Genetics
Classification: Likely benign for Hereditary cancer-predisposing syndrome. Last evaluated: 2021-03-29. Review status: criteria provided, single submitter. Criteria: Ambry Variant Classification Scheme 2023. Collection method: clinical testing. Allele origin: germline.

Sema4
Classification: Likely benign for Hereditary cancer-predisposing syndrome. Last evaluated: 2020-12-07. Review status: criteria provided, single submitter. Criteria: Sema4 Curation Guidelines. Collection method: curation. Allele origin: germline.

NM_002691.4(POLD1):c.564G>A (p.Leu188=)

Gene: POLD1 (DNA polymerase delta 1, catalytic subunit; plus strand). Cytogenetic location: 19q13.33.
Variant type: single nucleotide variant.
Coding change: c.564G>A on transcript NM_002691.4 (MANE Select); coding-DNA position 564, G replaced by A.
Protein change: p.Leu188=; no amino-acid change (leucine 188 retained).
Molecular consequence: synonymous variant. On other transcripts: non-coding transcript variant (1).
Genome position (GRCh38, 1-based): chr19:50,402,099, G>A. VCF-style: chr19-50402099-G-A. GRCh37 (hg19) VCF-style: chr19-50905356-G-A.
Other names: c.564G>A, p.Leu188= (NM_001256849.1, NM_001308632.1).
Identifiers: ClinVar variation 1692713 (VCV001692713.8), dbSNP rs2038665417, ClinGen allele CA508304531.